The following is an entry in ClinVar:

NM_000388.4(CASR):c.2870A>G (p.Gln957Arg)

Gene: CASR (calcium sensing receptor; plus strand). Cytogenetic location: 3q21.1.
Variant type: single nucleotide variant.
Coding change: c.2870A>G on transcript NM_000388.4 (MANE Select); coding-DNA position 2870, A replaced by G.
Protein change: p.Gln957Arg; replaces glutamine 957 with arginine.
Molecular consequence: missense variant.
Genome position (GRCh38, 1-based): chr3:122,284,824, A>G. VCF-style: chr3-122284824-A-G. GRCh37 (hg19) VCF-style: chr3-122003671-A-G.
Other names: c.2900A>G, p.Gln967Arg (NM_001178065.2); short protein forms Q957R, Q967R.
Identifiers: ClinVar variation 237765 (VCV000237765.16), dbSNP rs150979829, ClinGen allele CA2569883.
Genomic context (GRCh38, chr3:122,284,824, plus strand): 5'-CCCTAACCCAGCAAGAGCAGCAGCAGCAGCCCCTGACCCTCCCACAGCAGCAACGATCTC[A>G]GCAGCAGCCCAGATGCAAGCAGAAGGTCATCTTTGGCAGCGGCACGGTCACCTTCTCACT-3'
Protein context (NP_000379.3, residues 947-967): PLTLPQQQRS[Gln957Arg]QQPRCKQKVI

ClinVar aggregate classification (germline): Conflicting classifications of pathogenicity. Review status: criteria provided, conflicting classifications (1 of 4 stars). 4 submissions from 4 submitters: Uncertain significance (3); Likely benign (1). Last evaluated 2025-11-20.

Conditions:
Familial hypocalciuric hypercalcemia (FHH). Also called: Familial benign hypercalcemia. Identifiers: Orphanet 405, MedGen C1809471, MONDO:0018458.
Autosomal dominant hypocalcemia 1 (HYPOC1). Also called: HYPOCALCEMIA, FAMILIAL. Identifiers: MedGen C3715128, MONDO:0011013, OMIM 601198.
Nephrolithiasis/nephrocalcinosis. Identifiers: MedGen CN580796.
Epilepsy, idiopathic generalized, susceptibility to, 8. Identifiers: MedGen C2752062, MONDO:0013032, OMIM 612899.
Familial hypocalciuric hypercalcemia 1. Also called: Hypercalcemia, familial benign type 1. Identifiers: Orphanet 405, Orphanet 93372, MedGen C0342637, MONDO:0007791, OMIM 145980.
Neonatal severe primary hyperparathyroidism. Identifiers: Orphanet 417, MedGen C1832615, MONDO:0009397, OMIM 239200.

Allele frequency attached by ClinVar (database versions not stated): gnomAD exomes 0.00002; TOPMed 0.00002; ExAC 0.00003; gnomAD 0.00006; ESP Exome Variant Server 0.00008.
gnomAD v4.1: 31 of 1,604,600 alleles (0.0019%); highest among the groups gnomAD compares: Non-Finnish European, 0.0025%; no homozygotes.

Submissions (4):

Labcorp Genetics (formerly Invitae), Labcorp
Classification: Likely benign for Familial hypocalciuric hypercalcemia; Autosomal dominant hypocalcemia 1. Last evaluated: 2025-11-20. Review status: criteria provided, single submitter. Criteria: Invitae Variant Classification Sherloc (09022015). Collection method: clinical testing. Allele origin: germline.

Ambry Genetics
Classification: Uncertain significance for Nephrolithiasis/nephrocalcinosis. Last evaluated: 2024-10-24. Review status: criteria provided, single submitter. Criteria: Ambry Variant Classification Scheme 2023. Collection method: clinical testing. Allele origin: germline.
Comment: The p.Q957R variant (also known as c.2870A>G), located in coding exon 6 of the CASR gene, results from an A to G substitution at nucleotide position 2870. The glutamine at codon 957 is replaced by arginine, an amino acid with highly similar properties. This amino acid position is not well conserved in available vertebrate species. In addition, this alteration is predicted to be tolerated by in silico analysis. Since supporting evidence is limited at this time, the clinical significance of this alteration remains unclear.

Fulgent Genetics
Classification: Uncertain significance for Familial hypocalciuric hypercalcemia 1; Neonatal severe primary hyperparathyroidism; Autosomal dominant hypocalcemia 1; Epilepsy, idiopathic generalized, susceptibility to, 8. Last evaluated: 2024-05-24. Review status: criteria provided, single submitter. Criteria: ACMG Guidelines, 2015. Collection method: clinical testing. Allele origin: germline.

Revvity Omics, Revvity
Classification: Uncertain significance. Last evaluated: 2022-06-20. Review status: criteria provided, single submitter. Criteria: ACMG Guidelines, 2015. Collection method: clinical testing. Allele origin: germline.